The following is an entry in ClinVar:

ClinVar aggregate classification (germline): Pathogenic/Likely pathogenic. Review status: criteria provided, multiple submitters, no conflicts (2 of 4 stars). 3 submissions from 3 submitters: Pathogenic (2); Likely pathogenic (1). Last evaluated 2024-03-14.

Conditions:
Mitochondrial complex I deficiency, nuclear type 16. Also called: Mitochondrial complex 1 deficiency, nuclear type 16. Identifiers: MedGen C4748785, MONDO:0032621, OMIM 618238.
Mitochondrial complex I deficiency. Also called: NADH:Q(1) OXIDOREDUCTASE DEFICIENCY. Identifiers: Orphanet 2609, MedGen C1838979, MeSH C537475, MONDO:0100133.

Allele frequency attached by ClinVar (database versions not stated): gnomAD exomes below 0.00001.
gnomAD v4.1: 7 of 1,613,234 alleles (0.00043%); highest among the groups gnomAD compares: Admixed American, 0.0033%; no homozygotes.

Submissions (3):

Natera, Inc.
Classification: Likely pathogenic for Mitochondrial complex I deficiency. Last evaluated: 2024-03-14. Review status: criteria provided, single submitter. Criteria: Natera Variant Classification Schema (03/2026). Collection method: clinical testing. Allele origin: germline.
Comment: The c.29T>A variant in NDUFAF5 is a nonsense variant predicted to introduce a stop codon at amino acid 10. This variant is expected to result in nonsense mediated decay, truncation, or a dysfunctional protein product. This variant is rare in the general population with a frequency below the threshold expected for the associated phenotype(s). Given the available evidence, this variant is classified as Likely Pathogenic.

Labcorp Genetics (formerly Invitae), Labcorp
Classification: Pathogenic. Last evaluated: 2024-02-03. Review status: criteria provided, single submitter. Criteria: Invitae Variant Classification Sherloc (09022015). Collection method: clinical testing. Allele origin: germline.
Comment: This sequence change creates a premature translational stop signal (p.Leu10*) in the NDUFAF5 gene. It is expected to result in an absent or disrupted protein product. Loss-of-function variants in NDUFAF5 are known to be pathogenic (PMID: 26275793, 30473481, 32918965). This variant is present in population databases (no rsID available, gnomAD 0.006%). This premature translational stop signal has been observed in individual(s) with mitochondrial complex I deficiency (PMID: 26275793). It has also been observed to segregate with disease in related individuals. ClinVar contains an entry for this variant (Variation ID: 2138338). For these reasons, this variant has been classified as Pathogenic.

Baylor Genetics
Classification: Pathogenic for Mitochondrial complex I deficiency, nuclear type 16. Last evaluated: 2023-12-26. Review status: criteria provided, single submitter. Criteria: ACMG Guidelines, 2015. Collection method: clinical testing. Allele origin: unknown.

Literature cited by the submitters: PubMed 26275793 (cited by Labcorp Genetics (formerly Invitae), Labcorp); PubMed 30473481 (cited by Labcorp Genetics (formerly Invitae), Labcorp); PubMed 32918965 (cited by Labcorp Genetics (formerly Invitae), Labcorp).

NM_024120.5(NDUFAF5):c.29T>A (p.Leu10Ter)

Genes: NDUFAF5 (NADH:ubiquinone oxidoreductase complex assembly factor 5; plus strand), LOC130065433 (ATAC-STARR-seq lymphoblastoid active region 17552; plus strand). Cytogenetic location: 20p12.1.
Variant type: single nucleotide variant.
Coding change: c.29T>A on transcript NM_024120.5 (MANE Select); coding-DNA position 29, T replaced by A.
Protein change: p.Leu10Ter; replaces leucine 10 with a stop codon.
Molecular consequence: nonsense. On other transcripts: 5 prime UTR variant (3), non-coding transcript variant (7).
Genome position (GRCh38, 1-based): chr20:13,785,097, T>A. VCF-style: chr20-13785097-T-A. GRCh37 (hg19) VCF-style: chr20-13765743-T-A.
Other names: c.29T>A, p.Leu10Ter (NM_001039375.3, NM_001352408.2); c.-339T>A (NM_001352403.2); c.-553T>A (NM_001352406.2); c.-667T>A (NM_001352407.2); c.29T>A (NM_024120.4); short protein forms L10*.
Identifiers: ClinVar variation 2138338 (VCV002138338.7), dbSNP rs1466271703, ClinGen allele CA408282110.